The following is an entry in ClinVar:

ClinVar aggregate classification (germline): Uncertain significance. Review status: criteria provided, multiple submitters, no conflicts (2 of 4 stars). 2 submissions from 2 submitters: Uncertain significance (2). Last evaluated 2025-05-19.

gnomAD v4.1: 21 of 1,613,938 alleles (0.0013%); highest among the groups gnomAD compares: South Asian, 0.021%; no homozygotes.

Submissions (2):

Ambry Genetics
Classification: Uncertain significance. Last evaluated: 2025-05-19. Review status: criteria provided, single submitter. Criteria: Ambry Variant Classification Scheme 2023. Collection method: clinical testing. Allele origin: germline.

Labcorp Genetics (formerly Invitae), Labcorp
Classification: Uncertain significance. Last evaluated: 2024-07-02. Review status: criteria provided, single submitter. Criteria: Invitae Variant Classification Sherloc (09022015). Collection method: clinical testing. Allele origin: germline.
Comment: This sequence change replaces arginine, which is basic and polar, with methionine, which is neutral and non-polar, at codon 318 of the RIMS1 protein (p.Arg318Met). This variant is present in population databases (rs777877462, gnomAD 0.03%). This variant has not been reported in the literature in individuals affected with RIMS1-related conditions. An algorithm developed to predict the effect of missense changes on protein structure and function (PolyPhen-2) suggests that this variant is likely to be disruptive. In summary, the available evidence is currently insufficient to determine the role of this variant in disease. Therefore, it has been classified as a Variant of Uncertain Significance.

NM_014989.7(RIMS1):c.953G>T (p.Arg318Met)

Gene: RIMS1 (regulating synaptic membrane exocytosis 1; plus strand). Cytogenetic location: 6q13.
Variant type: single nucleotide variant.
Coding change: c.953G>T on transcript NM_014989.7 (MANE Select); coding-DNA position 953, G replaced by T.
Protein change: p.Arg318Met; replaces arginine 318 with methionine.
Molecular consequence: missense variant.
Genome position (GRCh38, 1-based): chr6:72,182,424, G>T. VCF-style: chr6-72182424-G-T. GRCh37 (hg19) VCF-style: chr6-72892127-G-T.
Other names: c.953G>T (NM_014989.4); short protein forms R318M.
Identifiers: ClinVar variation 3683933 (VCV003683933.3).